The following is an entry in ClinVar:

ClinVar aggregate classification (germline): Uncertain significance. Review status: criteria provided, multiple submitters, no conflicts (2 of 4 stars). 2 submissions from 2 submitters: Uncertain significance (2). Last evaluated 2025-09-25.

Conditions:
Hereditary cancer-predisposing syndrome. Also called: Hereditary Cancer Syndrome; Tumor predisposition; Hereditary neoplastic syndrome; Neoplastic Syndromes, Hereditary. Identifiers: Orphanet 140162, MedGen C0027672, MeSH D009386, MONDO:0015356.
Neuroblastoma, susceptibility to, 3. Also called: ALK-Related Neuroblastic Tumor Susceptibility. Identifiers: Orphanet 635, MedGen C2751681, MONDO:0013083, OMIM 613014.

Submissions (2):

Labcorp Genetics (formerly Invitae), Labcorp
Classification: Uncertain significance for Neuroblastoma, susceptibility to, 3. Last evaluated: 2025-09-25. Review status: criteria provided, single submitter. Criteria: Invitae Variant Classification Sherloc (09022015). Collection method: clinical testing. Allele origin: germline.
Comment: This sequence change replaces isoleucine, which is neutral and non-polar, with valine, which is neutral and non-polar, at codon 840 of the ALK protein (p.Ile840Val). This variant is not present in population databases (gnomAD no frequency). This variant has not been reported in the literature in individuals affected with ALK-related conditions. ClinVar contains an entry for this variant (Variation ID: 3020523). An algorithm developed to predict the effect of missense changes on protein structure and function outputs the following: PolyPhen-2: "Benign". The valine amino acid residue is found in multiple mammalian species, which suggests that this missense change does not adversely affect protein function. In summary, the available evidence is currently insufficient to determine the role of this variant in disease. Therefore, it has been classified as a Variant of Uncertain Significance.

Ambry Genetics
Classification: Uncertain significance for Hereditary cancer-predisposing syndrome. Last evaluated: 2025-06-14. Review status: criteria provided, single submitter. Criteria: Ambry Variant Classification Scheme 2023. Collection method: clinical testing. Allele origin: germline.
Comment: The p.I840V variant (also known as c.2518A>G), located in coding exon 15 of the ALK gene, results from an A to G substitution at nucleotide position 2518. The isoleucine at codon 840 is replaced by valine, an amino acid with highly similar properties. This amino acid position is conserved. In addition, this alteration is predicted to be tolerated by in silico analysis. Based on the available evidence, the clinical significance of this variant remains unclear.

NM_004304.5(ALK):c.2518A>G (p.Ile840Val)

Gene: ALK (ALK receptor tyrosine kinase; minus strand). Cytogenetic location: 2p23.2.
Variant type: single nucleotide variant.
Coding change: c.2518A>G on transcript NM_004304.5 (MANE Select); coding-DNA position 2518, A replaced by G.
Protein change: p.Ile840Val; replaces isoleucine 840 with valine.
Molecular consequence: missense variant.
Genome position (GRCh38, 1-based): chr2:29,232,418, T>C on the plus strand (A>G on the coding strand, the complement: ALK is on the minus strand). VCF-style: chr2-29232418-T-C. GRCh37 (hg19) VCF-style: chr2-29455284-T-C.
Other names: c.2518A>G (NM_004304.4); short protein forms I840V.
Identifiers: ClinVar variation 3020523 (VCV003020523.4), dbSNP rs2465986518, ClinGen allele CA346471975.